The following is an entry in ClinVar:

ClinVar aggregate classification (germline): Likely benign. Review status: criteria provided, single submitter (1 of 4 stars). 2 submissions from 2 submitters: Likely benign (1). 1 of the submissions does not count toward it. Last evaluated 2026-05-01.

Conditions:
ALKBH8-related disorder. Also called: ALKBH8-related condition.

Allele frequency attached by ClinVar (database versions not stated): gnomAD exomes 0.00040; ExAC 0.00129; ESP Exome Variant Server 0.00308; gnomAD 0.00384; 1000 Genomes Project 30x 0.00453; 1000 Genomes Project 0.00499.
gnomAD v4.1: 1,186 of 1,585,984 alleles (0.075%); highest among the groups gnomAD compares: African/African-American, 1.4%; 11 homozygotes.

Submissions (2):

CeGaT Center for Human Genetics Tuebingen
Classification: Likely benign. Last evaluated: 2026-05-01. Review status: criteria provided, single submitter. Criteria: CeGaT Center For Human Genetics Tuebingen Variant Classification Criteria Version 2. Collection method: clinical testing. Allele origin: germline. Affected: yes. Observed: 3 variant alleles.
Comment: ALKBH8: BP4, BS1

PreventionGenetics, part of Exact Sciences
Classification: Benign for ALKBH8-related condition. Last evaluated: 2019-11-25. Review status: no assertion criteria provided. Collection method: clinical testing. Allele origin: germline. Not counted in ClinVar's aggregate classification.
Comment: This variant is classified as benign based on ACMG/AMP sequence variant interpretation guidelines (Richards et al. 2015 PMID: 25741868, with internal and published modifications).

NM_138775.3(ALKBH8):c.146A>G (p.Asn49Ser)

Gene: ALKBH8 (alkB homolog 8, tRNA methyltransferase; minus strand). Cytogenetic location: 11q22.3.
Variant type: single nucleotide variant.
Coding change: c.146A>G on transcript NM_138775.3 (MANE Select); coding-DNA position 146, A replaced by G.
Protein change: p.Asn49Ser; replaces asparagine 49 with serine.
Molecular consequence: missense variant. On other transcripts: non-coding transcript variant (6).
Genome position (GRCh38, 1-based): chr11:107,556,987, T>C on the plus strand (A>G on the coding strand, the complement: ALKBH8 is on the minus strand). VCF-style: chr11-107556987-T-C. GRCh37 (hg19) VCF-style: chr11-107427713-T-C.
Other names: c.146A>G, p.Asn49Ser (NM_001301010.3, NM_001378133.1); c.155A>G (NM_001301010.1); short protein forms N49S.
Identifiers: ClinVar variation 3025512 (VCV003025512.23), dbSNP rs116578571, ClinGen allele CA6261320.